The following is an entry in ClinVar:

NM_004329.3(BMPR1A):c.575A>G (p.Asp192Gly)

Gene: BMPR1A (bone morphogenetic protein receptor type 1A; plus strand). Cytogenetic location: 10q23.2.
Variant type: single nucleotide variant.
Coding change: c.575A>G on transcript NM_004329.3 (MANE Select); coding-DNA position 575, A replaced by G.
Protein change: p.Asp192Gly; replaces aspartic acid 192 with glycine.
Molecular consequence: missense variant.
Genome position (GRCh38, 1-based): chr10:86,912,284, A>G. VCF-style: chr10-86912284-A-G. GRCh37 (hg19) VCF-style: chr10-88672041-A-G.
Other names: c.575A>G, p.Asp192Gly (NM_001406580.1, NM_001406582.1, NM_001406583.1 and 20 more transcripts); c.491A>G, p.Asp164Gly (NM_001406585.1, NM_001406584.1, NM_001406586.1 and 2 more transcripts); c.650A>G, p.Asp217Gly (NM_001406559.1); c.623A>G, p.Asp208Gly (NM_001406560.1); short protein forms D192G, D164G, D208G, D217G.
Identifiers: ClinVar variation 1749461 (VCV001749461.2), dbSNP rs2539572568, ClinGen allele CA377454490.

ClinVar aggregate classification (germline): Uncertain significance (1 of 4 stars; one submission).

Conditions:
Hereditary cancer-predisposing syndrome. Also called: Hereditary Cancer Syndrome; Hereditary neoplastic syndrome; Neoplastic Syndromes, Hereditary; Tumor predisposition. Identifiers: Orphanet 140162, MedGen C0027672, MeSH D009386, MONDO:0015356.

Submission:

Ambry Genetics
Classification: Uncertain significance for Hereditary cancer-predisposing syndrome. Last evaluated: 2021-07-09. Review status: criteria provided, single submitter. Criteria: Ambry Variant Classification Scheme 2023. Collection method: clinical testing. Allele origin: germline.
Comment: The p.D192G variant (also known as c.575A>G), located in coding exon 6 of the BMPR1A gene, results from an A to G substitution at nucleotide position 575. The aspartic acid at codon 192 is replaced by glycine, an amino acid with similar properties. This amino acid position is well conserved in available vertebrate species. In addition, this alteration is predicted to be tolerated by in silico analysis. Since supporting evidence is limited at this time, the clinical significance of this alteration remains unclear.